The following is an entry in ClinVar:

NM_004006.3(DMD):c.2091G>T (p.Lys697Asn)

Gene: DMD (dystrophin; minus strand). Cytogenetic location: Xp21.1.
Variant type: single nucleotide variant.
Coding change: c.2091G>T on transcript NM_004006.3 (MANE Select); coding-DNA position 2091, G replaced by T.
Protein change: p.Lys697Asn; replaces lysine 697 with asparagine.
Molecular consequence: missense variant.
Genome position (GRCh38, 1-based): chrX:32,545,236, C>A on the plus strand (G>T on the coding strand, the complement: DMD is on the minus strand). VCF-style: chrX-32545236-C-A. GRCh37 (hg19) VCF-style: chrX-32563353-C-A.
Other names: c.2067G>T, p.Lys689Asn (NM_000109.4); c.2079G>T, p.Lys693Asn (NM_004009.3); c.1722G>T, p.Lys574Asn (NM_004010.3); short protein forms K689N, K574N, K693N, K697N.
Identifiers: ClinVar variation 3634856 (VCV003634856.2).

ClinVar aggregate classification (germline): Uncertain significance (1 of 4 stars; one submission).

Conditions:
Duchenne muscular dystrophy (DMD). Also called: MUSCULAR DYSTROPHY, PSEUDOHYPERTROPHIC PROGRESSIVE, DUCHENNE TYPE; Duchenne Muscular Dystrophy (DMD). Identifiers: Orphanet 98896, MedGen C0013264, MONDO:0010679, OMIM 310200.

gnomAD v4.1: 2 of 1,210,301 alleles (0.00017%); highest among the groups gnomAD compares: Non-Finnish European, 0.00011%; no homozygotes.

Submission:

Labcorp Genetics (formerly Invitae), Labcorp
Classification: Uncertain significance for Duchenne muscular dystrophy. Last evaluated: 2024-12-17. Review status: criteria provided, single submitter. Criteria: Invitae Variant Classification Sherloc (09022015). Collection method: clinical testing. Allele origin: germline.
Comment: This sequence change replaces lysine, which is basic and polar, with asparagine, which is neutral and polar, at codon 697 of the DMD protein (p.Lys697Asn). The frequency data for this variant in the population databases is considered unreliable, as metrics indicate poor data quality at this position in the gnomAD database. This variant has not been reported in the literature in individuals affected with DMD-related conditions. Invitae Evidence Modeling of protein sequence and biophysical properties (such as structural, functional, and spatial information, amino acid conservation, physicochemical variation, residue mobility, and thermodynamic stability) indicates that this missense variant is not expected to disrupt DMD protein function with a negative predictive value of 95%. In summary, the available evidence is currently insufficient to determine the role of this variant in disease. Therefore, it has been classified as a Variant of Uncertain Significance.